The following is an entry in ClinVar:

NM_201269.3(ZNF644):c.2655G>T (p.Glu885Asp)

Gene: ZNF644 (zinc finger protein 644; minus strand). Cytogenetic location: 1p22.2.
Variant type: single nucleotide variant.
Coding change: c.2655G>T on transcript NM_201269.3 (MANE Select); coding-DNA position 2655, G replaced by T.
Protein change: p.Glu885Asp; replaces glutamic acid 885 with aspartic acid.
Molecular consequence: missense variant. On other transcripts: intron variant (2).
Genome position (GRCh38, 1-based): chr1:90,938,699, C>A on the plus strand (G>T on the coding strand, the complement: ZNF644 is on the minus strand). VCF-style: chr1-90938699-C-A. GRCh37 (hg19) VCF-style: chr1-91404256-C-A.
Other names: c.23-20545G>T (NM_032186.5, NM_016620.4); short protein forms E885D.
Identifiers: ClinVar variation 3038400 (VCV003038400.2), dbSNP rs41286761, ClinGen allele CA944926.
Genomic context (GRCh38, chr1:90,938,699, plus strand): 5'-ATTTTCTCCAGGCTCCTGACCTTCCACTTTGCTCTTAAATAAAGGGAATAAATTTACATG[C>A]TCTTGATTAATATCACTATAGGTTTCATCTTCTATGGCCTGTGTAGTGTAGTCTCCTAAC-3'
Protein context (NP_958357.1, residues 875-895): EDETYSDINQ[Glu885Asp]HVNLFPLFKS

ClinVar aggregate classification (germline): Benign (0 of 4 stars; one submission).

Conditions:
ZNF644-related disorder. Also called: ZNF644-related condition.

Allele frequency attached by ClinVar (database versions not stated): 1000 Genomes Project 30x 0.00999; 1000 Genomes Project 0.01018; TOPMed 0.01915; ExAC 0.02218; gnomAD 0.02219; ESP Exome Variant Server 0.02315.
gnomAD v4.1: 47,701 of 1,613,136 alleles (3%); highest among the groups gnomAD compares: Non-Finnish European, 3.5%; 904 homozygotes.

Submission:

PreventionGenetics, part of Exact Sciences
Classification: Benign for ZNF644-related condition. Last evaluated: 2023-12-20. Review status: no assertion criteria provided. Collection method: clinical testing. Allele origin: germline.
Comment: This variant is classified as benign based on ACMG/AMP sequence variant interpretation guidelines (Richards et al. 2015 PMID: 25741868, with internal and published modifications).